The following is an entry in ClinVar:

ClinVar aggregate classification (germline): Conflicting classifications of pathogenicity. Review status: criteria provided, conflicting classifications (1 of 4 stars). 4 submissions from 4 submitters: Uncertain significance (2); Likely benign (1). 1 of the submissions does not count toward it. Last evaluated 2026-01-15.

Conditions:
CENPF-related disorder. Also called: CENPF-related condition.
Stromme syndrome (STROMS). Also called: Ciliary dyskinesia, primary, 31; Strømme Syndrome; APPLE PEEL SYNDROME WITH MICROCEPHALY AND OCULAR ANOMALIES. Identifiers: Orphanet 444069, Orphanet 506307, MedGen C1855705, MONDO:0009477, OMIM 243605.
Inborn genetic diseases. Identifiers: MedGen C0950123, MeSH D030342.

Allele frequency attached by ClinVar (database versions not stated): 1000 Genomes Project 0.00100; TOPMed 0.00116; gnomAD 0.00094 and 0.00107; ESP Exome Variant Server 0.00092; ExAC 0.00031; 1000 Genomes Project 30x 0.00094.
gnomAD v4.1: 358 of 1,614,066 alleles (0.022%); highest among the groups gnomAD compares: African/African-American, 0.43%; 2 homozygotes.

Submissions (4):

Labcorp Genetics (formerly Invitae), Labcorp
Classification: Likely benign. Last evaluated: 2026-01-15. Review status: criteria provided, single submitter. Criteria: Invitae Variant Classification Sherloc (09022015). Collection method: clinical testing. Allele origin: germline.

Ambry Genetics
Classification: Uncertain significance for Inborn genetic diseases. Last evaluated: 2024-07-02. Review status: criteria provided, single submitter. Criteria: Ambry Variant Classification Scheme 2023. Collection method: clinical testing. Allele origin: germline.

Department of Pathology and Laboratory Medicine, Sinai Health System
Classification: Uncertain significance for Stromme syndrome. Last evaluated: 2021-07-30. Review status: criteria provided, single submitter. Criteria: ACMG Guidelines, 2015. Collection method: research. Allele origin: germline.

PreventionGenetics, part of Exact Sciences
Classification: Likely benign for CENPF-related condition. Last evaluated: 2022-02-09. Review status: no assertion criteria provided. Collection method: clinical testing. Allele origin: germline. Not counted in ClinVar's aggregate classification.
Comment: This variant is classified as likely benign based on ACMG/AMP sequence variant interpretation guidelines (Richards et al. 2015 PMID: 25741868, with internal and published modifications).

NM_016343.4(CENPF):c.6830G>C (p.Gly2277Ala)

Gene: CENPF (centromere protein F; plus strand). Cytogenetic location: 1q41.
Variant type: single nucleotide variant.
Coding change: c.6830G>C on transcript NM_016343.4 (MANE Select); coding-DNA position 6830, G replaced by C.
Protein change: p.Gly2277Ala; replaces glycine 2277 with alanine.
Molecular consequence: missense variant.
Genome position (GRCh38, 1-based): chr1:214,646,400, G>C. VCF-style: chr1-214646400-G-C. GRCh37 (hg19) VCF-style: chr1-214819743-G-C.
Other names: short protein forms G2277A.
Identifiers: ClinVar variation 741385 (VCV000741385.13), dbSNP rs147776688, ClinGen allele CA1391020.
Genomic context (GRCh38, chr1:214,646,400, plus strand): 5'-CAGTGGAGATGCTTCAGAATCAGTTAAAGGAGCTAAATGAGGCAGTAGCAGCCTTGTGTG[G>C]TGACCAAGAAATTATGAAGGCCACAGAACAGAGTCTAGACCCACCAATAGAGGAAGAGCA-3'
Protein context (NP_057427.3, residues 2267-2287): ELNEAVAALC[Gly2277Ala]DQEIMKATEQ